The following is an entry in ClinVar:

NM_024426.6(WT1):c.350del (p.Gly117fs)

Genes: WT1 (WT1 transcription factor; minus strand), LOC107982234 (WT1/WT1-AS bi-directional promoter region; plus strand). Cytogenetic location: 11p13.
Variant type: Deletion.
Coding change: c.350del on transcript NM_024426.6 (MANE Select); coding-DNA position 350, one base deleted (G; older notation c.350delG).
Protein change: p.Gly117fs; shifts the reading frame from glycine 117.
Molecular consequence: frameshift variant. On other transcripts: non-coding transcript variant (2).
Genome position (GRCh38, 1-based): chr11:32,435,011, C deleted on the plus strand (G on the coding strand, the reverse complement: WT1 is on the minus strand); the first of 3 consecutive C bases (chr11:32,435,011-32,435,013); deleting any one gives the same sequence. VCF-style (leftmost placement, unchanged base first): chr11-32435010-GC-G. GRCh37 (hg19) VCF-style: chr11-32456556-GC-G.
Other names: c.350del, p.Gly117fs (NM_000378.6, NM_001407044.1, NM_001407045.1 and 6 more transcripts); c.129delG, p.Gly44Alafs (NM_001429031.1, NM_001429032.1, NM_001429033.1 and 1 more transcripts); c.333delG, p.Gly112Alafs (NM_024425.2); short protein forms G117fs.
Identifiers: ClinVar variation 3248534 (VCV003248534.1), dbSNP rs2494482513.

ClinVar aggregate classification (germline): Pathogenic (1 of 4 stars; one submission).

Conditions:
Wilms tumor 1 (WT1). Also called: Wilms tumor, somatic. Identifiers: Orphanet 654, MedGen CN033288, MONDO:0008679, OMIM 194070.

Submission:

MVZ Medizinische Genetik Mainz
Classification: Pathogenic for Wilms tumor 1. Last evaluated: 2024-05-29. Review status: criteria provided, single submitter. Criteria: UK Practice Guidelines For Variant Classification V4 01 2020. Collection method: clinical testing. Allele origin: germline. Inheritance: Autosomal dominant inheritance. Affected: yes. Observed: 1 variant allele.
Comment: ACMG Criteria: PVS1,PM2_SUP,PP4